The following is an entry in ClinVar:

NM_015295.3(SMCHD1):c.1177A>G (p.Arg393Gly)

Gene: SMCHD1 (structural maintenance of chromosomes flexible hinge domain containing 1; plus strand). Cytogenetic location: 18p11.32.
Variant type: single nucleotide variant.
Coding change: c.1177A>G on transcript NM_015295.3 (MANE Select); coding-DNA position 1177, A replaced by G.
Protein change: p.Arg393Gly; replaces arginine 393 with glycine.
Molecular consequence: missense variant.
Genome position (GRCh38, 1-based): chr18:2,697,876, A>G. VCF-style: chr18-2697876-A-G. GRCh37 (hg19) VCF-style: chr18-2697874-A-G.
Other names: short protein forms R393G.
Identifiers: ClinVar variation 962960 (VCV000962960.3), dbSNP rs2074317652, ClinGen allele CA401697052.

ClinVar aggregate classification (germline): Uncertain significance. Review status: criteria provided, multiple submitters, no conflicts (2 of 4 stars). 2 submissions from 2 submitters: Uncertain significance (2). Last evaluated 2023-02-28.

Conditions:
Inborn genetic diseases. Identifiers: MedGen C0950123, MeSH D030342.
Facioscapulohumeral muscular dystrophy 2 (FSHD2). Also called: MUSCULAR DYSTROPHY, FACIOSCAPULOHUMERAL, TYPE 1B; FACIOSCAPULOHUMERAL MUSCULAR DYSTROPHY 2, DIGENIC; FSHD2, DIGENIC. Identifiers: Orphanet 269, MedGen C1834671, MONDO:0008031, OMIM 158901.

gnomAD v4.1: 2 of 1,613,592 alleles (0.00012%); highest among the groups gnomAD compares: Non-Finnish European, 0.00017%; no homozygotes.

Submissions (2):

Ambry Genetics
Classification: Uncertain significance for Inborn genetic diseases. Last evaluated: 2023-02-28. Review status: criteria provided, single submitter. Criteria: Ambry Variant Classification Scheme 2023. Collection method: clinical testing. Allele origin: germline.

Labcorp Genetics (formerly Invitae), Labcorp
Classification: Uncertain significance for Facioscapulohumeral muscular dystrophy 2. Last evaluated: 2019-10-03. Review status: criteria provided, single submitter. Criteria: Invitae Variant Classification Sherloc (09022015). Collection method: clinical testing. Allele origin: germline.
Comment: This sequence change replaces arginine with glycine at codon 393 of the SMCHD1 protein (p.Arg393Gly). The arginine residue is highly conserved and there is a moderate physicochemical difference between arginine and glycine. This variant is not present in population databases (ExAC no frequency). This variant has not been reported in the literature in individuals with SMCHD1-related conditions. Algorithms developed to predict the effect of missense changes on protein structure and function (SIFT, PolyPhen-2, Align-GVGD) all suggest that this variant is likely to be disruptive, but these predictions have not been confirmed by published functional studies and their clinical significance is uncertain. Algorithms developed to predict the effect of sequence changes on RNA splicing suggest that this variant may create or strengthen a splice site, but this prediction has not been confirmed by published transcriptional studies. In summary, the available evidence is currently insufficient to determine the role of this variant in disease. Therefore, it has been classified as a Variant of Uncertain Significance.